The following is an entry in ClinVar:

ClinVar aggregate classification (germline): Uncertain significance. Review status: criteria provided, multiple submitters, no conflicts (2 of 4 stars). 2 submissions from 2 submitters: Uncertain significance (2). Last evaluated 2024-10-25.

Conditions:
Mucopolysaccharidosis, MPS-III-D (MPS3D). Also called: MPS IIID (Sanfilippo Syndrome Type D); MUCOPOLYSACCHARIDOSIS, TYPE IIID; N-ACETYLGLUCOSAMINE-6-SULFATASE DEFICIENCY; SANFILIPPO SYNDROME D; MPS III D; Mucopoly-saccharidosis type 3D. Identifiers: Orphanet 581, Orphanet 79272, MedGen C0086650, MONDO:0009658, OMIM 252940.

Allele frequency attached by ClinVar (database versions not stated): TOPMed 0.00001; gnomAD 0.00002 and 0.00001; ExAC 0.00001; gnomAD exomes 0.00001.
gnomAD v4.1: 18 of 1,514,410 alleles (0.0012%); highest among the groups gnomAD compares: Non-Finnish European, 0.0017%; no homozygotes.

Submissions (2):

Labcorp Genetics (formerly Invitae), Labcorp
Classification: Uncertain significance for Mucopolysaccharidosis, MPS-III-D. Last evaluated: 2024-10-25. Review status: criteria provided, single submitter. Criteria: Invitae Variant Classification Sherloc (09022015). Collection method: clinical testing. Allele origin: germline.
Comment: This sequence change replaces asparagine, which is neutral and polar, with serine, which is neutral and polar, at codon 327 of the GNS protein (p.Asn327Ser). This variant is present in population databases (rs778927646, gnomAD 0.002%). This variant has not been reported in the literature in individuals affected with GNS-related conditions. ClinVar contains an entry for this variant (Variation ID: 1029411). Invitae Evidence Modeling of protein sequence and biophysical properties (such as structural, functional, and spatial information, amino acid conservation, physicochemical variation, residue mobility, and thermodynamic stability) indicates that this missense variant is expected to disrupt GNS protein function with a positive predictive value of 80%. In summary, the available evidence is currently insufficient to determine the role of this variant in disease. Therefore, it has been classified as a Variant of Uncertain Significance.

Baylor Genetics
Classification: Uncertain significance for Mucopolysaccharidosis, MPS-III-D. Last evaluated: 2019-10-03. Review status: criteria provided, single submitter. Criteria: ACMG Guidelines, 2015. Collection method: clinical testing. Allele origin: unknown. Affected: yes.
Comment: This variant was determined to be of uncertain significance according to ACMG Guidelines, 2015 [PMID:25741868].

NM_002076.4(GNS):c.980A>G (p.Asn327Ser)

Gene: GNS (glucosamine (N-acetyl)-6-sulfatase; minus strand). Cytogenetic location: 12q14.3.
Variant type: single nucleotide variant.
Coding change: c.980A>G on transcript NM_002076.4 (MANE Select); coding-DNA position 980, A replaced by G.
Protein change: p.Asn327Ser; replaces asparagine 327 with serine.
Molecular consequence: missense variant.
Genome position (GRCh38, 1-based): chr12:64,739,395, T>C on the plus strand (A>G on the coding strand, the complement: GNS is on the minus strand). VCF-style: chr12-64739395-T-C. GRCh37 (hg19) VCF-style: chr12-65133175-T-C.
Other names: short protein forms N327S.
Identifiers: ClinVar variation 1029411 (VCV001029411.5), dbSNP rs778927646, ClinGen allele CA6669791.